The following is an entry in ClinVar:

ClinVar aggregate classification (germline): Uncertain significance. Review status: criteria provided, multiple submitters, no conflicts (2 of 4 stars). 2 submissions from 2 submitters: Uncertain significance (2). Last evaluated 2024-12-14.

Conditions:
Inborn genetic diseases. Identifiers: MedGen C0950123, MeSH D030342.

Allele frequency attached by ClinVar (database versions not stated): gnomAD exomes below 0.00001; gnomAD 0.00001.
gnomAD v4.1: 7 of 1,614,092 alleles (0.00043%); highest among the groups gnomAD compares: Admixed American, 0.0017%; no homozygotes.

Submissions (2):

Ambry Genetics
Classification: Uncertain significance for Inborn genetic diseases. Last evaluated: 2024-12-14. Review status: criteria provided, single submitter. Criteria: Ambry Variant Classification Scheme 2023. Collection method: clinical testing. Allele origin: germline.

Labcorp Genetics (formerly Invitae), Labcorp
Classification: Uncertain significance. Last evaluated: 2023-09-12. Review status: criteria provided, single submitter. Criteria: Invitae Variant Classification Sherloc (09022015). Collection method: clinical testing. Allele origin: germline.
Comment: This sequence change replaces methionine, which is neutral and non-polar, with isoleucine, which is neutral and non-polar, at codon 74 of the GFAP protein (p.Met74Ile). In summary, the available evidence is currently insufficient to determine the role of this variant in disease. Therefore, it has been classified as a Variant of Uncertain Significance. Advanced modeling of protein sequence and biophysical properties (such as structural, functional, and spatial information, amino acid conservation, physicochemical variation, residue mobility, and thermodynamic stability) has been performed at Invitae for this missense variant, however the output from this modeling did not meet the statistical confidence thresholds required to predict the impact of this variant on GFAP protein function. This variant has not been reported in the literature in individuals affected with GFAP-related conditions. This variant is present in population databases (no rsID available, gnomAD 0.007%).

NM_002055.5(GFAP):c.222G>A (p.Met74Ile)

Gene: GFAP (glial fibrillary acidic protein; minus strand). Cytogenetic location: 17q21.31.
Variant type: single nucleotide variant.
Coding change: c.222G>A on transcript NM_002055.5 (MANE Select); coding-DNA position 222, G replaced by A.
Protein change: p.Met74Ile; replaces methionine 74 with isoleucine.
Molecular consequence: missense variant.
Genome position (GRCh38, 1-based): chr17:44,915,265, C>T on the plus strand (G>A on the coding strand, the complement: GFAP is on the minus strand). VCF-style: chr17-44915265-C-T. GRCh37 (hg19) VCF-style: chr17-42992633-C-T.
Other names: c.222G>A, p.Met74Ile (NM_001131019.3, NM_001242376.3, NM_001363846.2); c.222G>A (NM_002055.4); short protein forms M74I.
Identifiers: ClinVar variation 2759752 (VCV002759752.4), dbSNP rs1307573872, ClinGen allele CA399848739.
Genomic context (GRCh38, chr17:44,915,265, plus strand): 5'-GTTTTGCTGTTCCAGGAAGCGAACCTTCTCGATGTAGCTGGCAAAGCGGTCATTGAGCTC[C>T]ATCATCTCTGCCCGCTCACTGGCCCGGGTCTCCTTGAAGCCAGCATTGAGTGCCCCAGCC-3'
Protein context (NP_002046.1, residues 64-84): ETRASERAEM[Met74Ile]ELNDRFASYI